The following is an entry in ClinVar:

NM_198428.3(BBS9):c.1363G>A (p.Ala455Thr)

Gene: BBS9 (Bardet-Biedl syndrome 9; plus strand). Cytogenetic location: 7p14.3.
Variant type: single nucleotide variant.
Coding change: c.1363G>A on transcript NM_198428.3 (MANE Select); coding-DNA position 1363, G replaced by A.
Protein change: p.Ala455Thr; replaces alanine 455 with threonine.
Molecular consequence: missense variant. On other transcripts: non-coding transcript variant (3).
Genome position (GRCh38, 1-based): chr7:33,349,101, G>A. VCF-style: chr7-33349101-G-A. GRCh37 (hg19) VCF-style: chr7-33388713-G-A.
Other names: c.1363G>A, p.Ala455Thr (NM_014451.4, NM_001362679.1, NM_001348043.3 and 5 more transcripts); c.997G>A, p.Ala333Thr (NM_001348046.3, NM_001348045.3, NM_001348044.3 and 1 more transcripts); c.1228G>A, p.Ala410Thr (NM_001348042.3); c.1090G>A, p.Ala364Thr (NM_001348039.3, NM_001348038.3); short protein forms A455T, A333T, A410T, A364T.
Identifiers: ClinVar variation 263117 (VCV000263117.23), dbSNP rs11773504, ClinGen allele CA4214291.
Genomic context (GRCh38, chr7:33,349,101, plus strand): 5'-TATTGATAACAATTTCTGTTTCCTTAGGTCACACTGCAGAACAGAGTGATATTGCAAAAA[G>A]CCAAATTATCAGTCTACGTGCAACCACCATTAGAATTGACTTGTGATCAGTTCACCTTTG-3'
Protein context (NP_940820.1, residues 445-465): TLQNRVILQK[Ala455Thr]KLSVYVQPPL

ClinVar aggregate classification (germline): Benign/Likely benign. Review status: criteria provided, multiple submitters, no conflicts (2 of 4 stars). 10 submissions from 10 submitters: Benign (7); Likely benign (1). 2 of the submissions do not count toward it. Last evaluated 2026-05-18.

Conditions:
Bardet-Biedl syndrome 1 (BBS1). Identifiers: MedGen C2936862, MONDO:0008854, OMIM 209900. Disease mechanism: loss of function.
Bardet-Biedl syndrome 9 (BBS9). Identifiers: Orphanet 110, MedGen C1859567, MONDO:0014437, OMIM 615986.
Bardet-Biedl syndrome (BBS). Identifiers: Orphanet 110, MedGen C0752166, MONDO:0015229.

Allele frequency attached by ClinVar (database versions not stated): 1000 Genomes Project 30x 0.16927; 1000 Genomes Project 0.17133; TOPMed 0.17278; ESP Exome Variant Server 0.17553; gnomAD 0.17589 and 0.17791; ExAC 0.20415; gnomAD exomes 0.20518 and 0.20519.
gnomAD v4.1: 325,903 of 1,610,110 alleles (20%); highest among the groups gnomAD compares: South Asian, 23%; 34,089 homozygotes.

Submissions (10):

Women's Health and Genetics/Laboratory Corporation of America, LabCorp
Classification: Likely benign. Last evaluated: 2026-05-18. Review status: criteria provided, single submitter. Criteria: LabCorp Variant Classification Summary - May 2015. Collection method: clinical testing. Allele origin: germline.

Labcorp Genetics (formerly Invitae), Labcorp
Classification: Benign for Bardet-Biedl syndrome. Last evaluated: 2026-02-04. Review status: criteria provided, single submitter. Criteria: Invitae Variant Classification Sherloc (09022015). Collection method: clinical testing. Allele origin: germline.

Blueprint Genetics
Classification: Benign. Last evaluated: 2024-11-27. Review status: criteria provided, single submitter. Criteria: ACMG Guidelines, 2015. Collection method: clinical testing. Allele origin: germline.

Mayo Clinic Laboratories, Mayo Clinic
Classification: Benign. Last evaluated: 2022-03-09. Review status: criteria provided, single submitter. Criteria: ACMG Guidelines, 2015. Collection method: clinical testing. Allele origin: germline. Observed: 23 variant alleles.

GeneDx
Classification: Benign. Last evaluated: 2018-11-10. Review status: criteria provided, single submitter. Criteria: GeneDx Variant Classification Process June 2021. Collection method: clinical testing. Allele origin: germline. Affected: yes.

Illumina Laboratory Services, Illumina
Classification: Benign for Bardet-Biedl syndrome 9. Last evaluated: 2018-01-12. Review status: criteria provided, single submitter. Criteria: ICSL Variant Classification Criteria 13 December 2019. Collection method: clinical testing. Allele origin: germline.
Comment: This variant was observed in the ICSL laboratory as part of a predisposition screen in an ostensibly healthy population. It had not been previously curated by ICSL or reported in the Human Gene Mutation Database (HGMD: prior to June 1st, 2018), and was therefore a candidate for classification through an automated scoring system. Utilizing variant allele frequency, disease prevalence and penetrance estimates, and inheritance mode, an automated score was calculated to assess if this variant is too frequent to cause the disease. Based on the score and internal cut-off values, a variant classified as benign is not then subjected to further curation. The score for this variant resulted in a classification of benign for this disease.

Clinical Genetics DNA and cytogenetics Diagnostics Lab, Erasmus MC, Erasmus Medical Center
Classification: Benign for Bardet-Biedl syndrome 1. Last evaluated: 2015-09-21. Review status: criteria provided, single submitter. Criteria: ACGS Guidelines, 2013. Collection method: clinical testing. Allele origin: germline. Affected: yes. Study: VKGL Data-share Consensus.

PreventionGenetics, part of Exact Sciences
Classification: Benign. Review status: criteria provided, single submitter. Criteria: ACMG Guidelines, 2015. Collection method: clinical testing. Allele origin: germline.

Diagnostic Laboratory, Department of Genetics, University Medical Center Groningen
Classification: Benign for Bardet-Biedl syndrome 1. Review status: no assertion criteria provided. Collection method: clinical testing. Allele origin: germline. Affected: yes. Study: VKGL Data-share Consensus. Not counted in ClinVar's aggregate classification.

Joint Genome Diagnostic Labs from Nijmegen and Maastricht, Radboudumc and MUMC+
Classification: Benign. Review status: no assertion criteria provided. Collection method: clinical testing. Allele origin: germline. Affected: yes. Study: VKGL Data-share Consensus. Not counted in ClinVar's aggregate classification.